The following is an entry in ClinVar:

ClinVar aggregate classification (germline): Uncertain significance (1 of 4 stars; one submission).

gnomAD v4.1: 2 of 1,614,120 alleles (0.00012%); highest among the groups gnomAD compares: Non-Finnish European, 0.00017%; no homozygotes.

Submission:

Labcorp Genetics (formerly Invitae), Labcorp
Classification: Uncertain significance. Last evaluated: 2025-05-05. Review status: criteria provided, single submitter. Criteria: Invitae Variant Classification Sherloc (09022015). Collection method: clinical testing. Allele origin: germline.
Comment: This sequence change replaces arginine, which is basic and polar, with glycine, which is neutral and non-polar, at codon 255 of the ALPK3 protein (p.Arg255Gly). This variant is present in population databases (rs759865340, gnomAD 0.0009%). This variant has not been reported in the literature in individuals affected with ALPK3-related conditions. An algorithm developed to predict the effect of missense changes on protein structure and function (PolyPhen-2) suggests that this variant is likely to be tolerated. In summary, the available evidence is currently insufficient to determine the role of this variant in disease. Therefore, it has been classified as a Variant of Uncertain Significance.

NM_020778.5(ALPK3):c.157C>G (p.Arg53Gly)

Gene: ALPK3 (alpha kinase 3; plus strand). Cytogenetic location: 15q25.3.
Variant type: single nucleotide variant.
Coding change: c.157C>G on transcript NM_020778.5 (MANE Select); coding-DNA position 157, C replaced by G.
Protein change: p.Arg53Gly; replaces arginine 53 with glycine.
Molecular consequence: missense variant.
Genome position (GRCh38, 1-based): chr15:84,823,343, C>G. VCF-style: chr15-84823343-C-G. GRCh37 (hg19) VCF-style: chr15-85366574-C-G.
Other names: short protein forms R53G.
Identifiers: ClinVar variation 4803310 (VCV004803310.1).